The following is an entry in ClinVar:

ClinVar aggregate classification (germline): Pathogenic/Likely pathogenic. Review status: criteria provided, multiple submitters, no conflicts (2 of 4 stars). 3 submissions from 3 submitters: Pathogenic (1); Likely pathogenic (2). Last evaluated 2026-08-19.

Conditions:
Short-rib thoracic dysplasia 10 with or without polydactyly (SRTD10). Identifiers: Orphanet 474, MedGen C3810175, MONDO:0014284, OMIM 615630.
Retinitis pigmentosa 71 (RP71). Identifiers: Orphanet 791, MedGen C4225342, MONDO:0014618, OMIM 616394.
Bardet-Biedl syndrome 20. Identifiers: MedGen C4310707, MONDO:0023670, OMIM 619471, MONDO:0014926.
IFT172-related disorder. Also called: IFT172-related condition; IFT172-related disorders.

Submissions (3):

PreventionGenetics, part of Exact Sciences
Classification: Likely pathogenic for IFT172-related condition. Last evaluated: 2026-08-19. Review status: criteria provided, single submitter. Criteria: ACMG Guidelines, 2015. Collection method: clinical testing. Allele origin: germline.
Comment: The IFT172 c.4789dupC variant is predicted to result in a frameshift and premature protein termination (p.Leu1597Profs*20). To our knowledge, this variant has not been reported in the literature or in a large population database (gnomAD), indicating this variant is rare. Frameshift variants in IFT172 are expected to be pathogenic. This variant is interpreted as likely pathogenic.

Fulgent Genetics
Classification: Likely pathogenic for Short-rib thoracic dysplasia 10 with or without polydactyly; Retinitis pigmentosa 71; Bardet-Biedl syndrome 20. Last evaluated: 2024-01-21. Review status: criteria provided, single submitter. Criteria: ACMG Guidelines, 2015. Collection method: clinical testing. Allele origin: germline.

Labcorp Genetics (formerly Invitae), Labcorp
Classification: Pathogenic for Retinitis pigmentosa 71; Short-rib thoracic dysplasia 10 with or without polydactyly. Last evaluated: 2020-04-01. Review status: criteria provided, single submitter. Criteria: Invitae Variant Classification Sherloc (09022015). Collection method: clinical testing. Allele origin: germline.
Comment: This sequence change creates a premature translational stop signal (p.Leu1597Profs*20) in the IFT172 gene. It is expected to result in an absent or disrupted protein product. This variant is not present in population databases (ExAC no frequency). This variant has not been reported in the literature in individuals with IFT172-related conditions. Loss-of-function variants in IFT172 are known to be pathogenic (PMID: 24140113). For these reasons, this variant has been classified as Pathogenic.

Literature cited by the submitters: PubMed 24140113 (cited by Labcorp Genetics (formerly Invitae), Labcorp).

NM_015662.3(IFT172):c.4789dup (p.Leu1597fs)

Genes: KRTCAP3 (keratinocyte associated protein 3; plus strand), IFT172 (intraflagellar transport 172; minus strand). Cytogenetic location: 2p23.3.
Variant type: Duplication.
Coding change: c.4789dup on transcript NM_015662.3 (MANE Select); coding-DNA position 4789, one base duplicated (C; older notation c.4789dupC).
Protein change: p.Leu1597fs; shifts the reading frame from leucine 1597.
Molecular consequence: frameshift variant. On other transcripts: intron variant (1).
Genome position (GRCh38, 1-based): chr2:27,445,955, G duplicated on the plus strand (C on the coding strand, the reverse complement: IFT172 is on the minus strand); the first of 2 consecutive G bases (chr2:27,445,955-27,445,956); duplicating either gives the same sequence. VCF-style (leftmost placement, unchanged base first): chr2-27445954-A-AG. GRCh37 (hg19) VCF-style: chr2-27668821-A-AG.
Other names: c.4723dup, p.Leu1575fs (NM_001410739.1); c.*6-345dup (NM_001168364.2); c.4789dupC (NM_015662.2); short protein forms L1597fs, L1575fs.
Identifiers: ClinVar variation 1073662 (VCV001073662.49), dbSNP rs2148467517, ClinGen allele CA2499215853.